The following is an entry in ClinVar:

NM_001793.6(CDH3):c.2281-32C>T

Gene: CDH3 (cadherin 3; plus strand). Cytogenetic location: 16q22.1.
Variant type: single nucleotide variant.
Coding change: c.2281-32C>T on transcript NM_001793.6 (MANE Select); 32 bases into the intron before coding-DNA position 2281, C replaced by T.
Molecular consequence: intron variant. On other transcripts: missense variant (1).
Genome position (GRCh38, 1-based): chr16:68,698,159, C>T. VCF-style: chr16-68698159-C-T. GRCh37 (hg19) VCF-style: chr16-68732062-C-T.
Other names: c.2347C>T, p.Arg783Cys (NM_001317195.3); c.2116-32C>T (NM_001317196.2); short protein forms R783C.
Identifiers: ClinVar variation 3041085 (VCV003041085.3), dbSNP rs189179742, ClinGen allele CA8129683.

ClinVar aggregate classification (germline): Likely benign. Review status: criteria provided, single submitter (1 of 4 stars). 2 submissions from 2 submitters: Likely benign (1). 1 of the submissions does not count toward it. Last evaluated 2024-10-16.

Conditions:
CDH3-related disorder. Also called: CDH3-related condition.

Allele frequency attached by ClinVar (database versions not stated): gnomAD exomes 0.00017; 1000 Genomes Project 30x 0.00031; 1000 Genomes Project 0.00040; ExAC 0.00055; gnomAD 0.00151; ESP Exome Variant Server 0.00185; TOPMed 0.00195.
gnomAD v4.1: 503 of 1,605,904 alleles (0.031%); highest among the groups gnomAD compares: African/African-American, 0.54%; 2 homozygotes.

Submissions (2):

Blueprint Genetics
Classification: Likely benign. Last evaluated: 2024-10-16. Review status: criteria provided, single submitter. Criteria: ACMG Guidelines, 2015. Collection method: clinical testing. Allele origin: germline.

PreventionGenetics, part of Exact Sciences
Classification: Likely benign for CDH3-related condition. Last evaluated: 2019-09-24. Review status: no assertion criteria provided. Collection method: clinical testing. Allele origin: germline. Not counted in ClinVar's aggregate classification.
Comment: This variant is classified as likely benign based on ACMG/AMP sequence variant interpretation guidelines (Richards et al. 2015 PMID: 25741868, with internal and published modifications).